The following is an entry in ClinVar:

ClinVar aggregate classification (germline): Uncertain significance. Review status: criteria provided, multiple submitters, no conflicts (2 of 4 stars). 2 submissions from 2 submitters: Uncertain significance (2). Last evaluated 2024-03-06.

Conditions:
Cardiomyopathy (CMYO). Also called: Cardiomyopathies. Identifiers: Orphanet 167848, MedGen C0878544, MONDO:0004994, HP:0001638. Inheritance: Various modes of inheritance.
Hypertrophic cardiomyopathy. Also called: HYPERTROPHIC MYOCARDIOPATHY. Identifiers: Orphanet 217569, MedGen C0007194, MeSH D002312, MONDO:0005045, HP:0001639.

gnomAD v4.1: 1 of 1,607,354 alleles (0.000062%); no homozygotes.

Submissions (2):

Color Diagnostics, LLC DBA Color Health
Classification: Uncertain significance for Cardiomyopathy. Last evaluated: 2024-03-06. Review status: criteria provided, single submitter. Criteria: ACMG Guidelines, 2015. Collection method: clinical testing. Allele origin: germline.
Comment: This missense variant replaces aspartic acid with asparagine at codon 1149 of the MYBPC3 protein. Computational prediction tools indicate that this variant's impact on protein structure and function is inconclusive. To our knowledge, functional studies have not been reported for this variant. This variant has not been reported in individuals affected with MYBPC3-related disorders in the literature. This variant has not been identified in the general population by the Genome Aggregation Database (gnomAD). The available evidence is insufficient to determine the role of this variant in disease conclusively. Therefore, this variant is classified as a Variant of Uncertain Significance.

All of Us Research Program, National Institutes of Health
Classification: Uncertain significance for Hypertrophic cardiomyopathy. Last evaluated: 2023-02-22. Review status: criteria provided, single submitter. Criteria: ACMG Guidelines, 2015. Collection method: clinical testing. Allele origin: germline. Inheritance: Autosomal dominant inheritance. Observed: 1 variant allele, 1 heterozygote.
Comment: This missense variant replaces aspartic acid with asparagine at codon 1149 of the MYBPC3 protein. Computational prediction suggests that this variant may not impact protein structure and function (internally defined REVEL score threshold <= 0.5, PMID: 27666373). Splice site prediction tools suggest that this variant may not impact RNA splicing. To our knowledge, functional studies have not been performed for this variant. This variant has not been reported in individuals affected with cardiovascular disorders in the literature. This variant has not been identified in the general population by the Genome Aggregation Database (gnomAD). The available evidence is insufficient to determine the role of this variant in disease conclusively. Therefore, this variant is classified as a Variant of Uncertain Significance.

This study involves interpretation of variants in research participants for the purpose of population health screening. Participant phenotype was not available at the time of variant classification. Additional details can be found in publication PMID: 35346344, PMCID: PMC8962531

NM_000256.3(MYBPC3):c.3445G>A (p.Asp1149Asn)

Gene: MYBPC3 (myosin binding protein C3; minus strand). Cytogenetic location: 11p11.2.
Variant type: single nucleotide variant.
Coding change: c.3445G>A on transcript NM_000256.3 (MANE Select); coding-DNA position 3445, G replaced by A.
Protein change: p.Asp1149Asn; replaces aspartic acid 1149 with asparagine.
Molecular consequence: missense variant.
Genome position (GRCh38, 1-based): chr11:47,332,859, C>T on the plus strand (G>A on the coding strand, the complement: MYBPC3 is on the minus strand). VCF-style: chr11-47332859-C-T. GRCh37 (hg19) VCF-style: chr11-47354410-C-T.
Other names: short protein forms D1149N.
Identifiers: ClinVar variation 928449 (VCV000928449.5), dbSNP rs2095878564, ClinGen allele CA380313246.